The following is an entry in ClinVar:

ClinVar aggregate classification (germline): Likely benign (1 of 4 stars; one submission).

Allele frequency attached by ClinVar (database versions not stated): gnomAD exomes 0.00006; gnomAD 0.00013; ESP Exome Variant Server 0.00016; ExAC 0.00017; 1000 Genomes Project 0.00020; TOPMed 0.00021; 1000 Genomes Project 30x 0.00031.
gnomAD v4.1: 107 of 1,612,574 alleles (0.0066%); highest among the groups gnomAD compares: East Asian, 0.19%; no homozygotes.

Submission:

CeGaT Center for Human Genetics Tuebingen
Classification: Likely benign. Last evaluated: 2022-12-01. Review status: criteria provided, single submitter. Criteria: CeGaT Center For Human Genetics Tuebingen Variant Classification Criteria Version 2. Collection method: clinical testing. Allele origin: germline. Affected: yes. Observed: 1 variant allele.
Comment: PCDHB5: BP4, BP7

NM_015669.5(PCDHB5):c.2028C>A (p.Ala676=)

Genes: PCDHB5 (protocadherin beta 5; plus strand), PCDHB@ (protocadherin beta cluster; plus strand). Cytogenetic location: 5q31.3.
Variant type: single nucleotide variant.
Coding change: c.2028C>A on transcript NM_015669.5 (MANE Select); coding-DNA position 2028, C replaced by A.
Protein change: p.Ala676=; no amino-acid change (alanine 676 retained).
Molecular consequence: synonymous variant.
Genome position (GRCh38, 1-based): chr5:141,137,462, C>A. VCF-style: chr5-141137462-C-A. GRCh37 (hg19) VCF-style: chr5-140517044-C-A.
Identifiers: ClinVar variation 2655808 (VCV002655808.24), dbSNP rs17844425, ClinGen allele CA3457312.